The following is an entry in ClinVar:

ClinVar aggregate classification (germline): Benign/Likely benign. Review status: criteria provided, multiple submitters, no conflicts (2 of 4 stars). 3 submissions from 3 submitters: Benign (1); Likely benign (2). Last evaluated 2026-09-29.

Conditions:
Neurofibromatosis, type 1 (NF1). Also called: VON RECKLINGHAUSEN DISEASE; NEUROFIBROMATOSIS, TYPE I, SOMATIC; Neurofibromatosis, type I; Peripheral type neurofibromatosis. Identifiers: Orphanet 636, MedGen C0027831, MONDO:0018975, OMIM 162200. Disease mechanism: loss of function.
Hereditary cancer-predisposing syndrome. Also called: Hereditary Cancer Syndrome; Hereditary neoplastic syndrome; Neoplastic Syndromes, Hereditary; Tumor predisposition. Identifiers: Orphanet 140162, MedGen C0027672, MeSH D009386, MONDO:0015356.
Cardiovascular phenotype. Identifiers: MedGen CN230736.

Submissions (3):

Myriad Genetics, Inc.
Classification: Benign for Neurofibromatosis, type 1. Last evaluated: 2026-09-29. Review status: criteria provided, single submitter. Criteria: Myriad Autosomal Dominant, Autosomal Recessive and X-Linked Classification Criteria (2023). Collection method: clinical testing. Allele origin: unknown.
Comment: This variant is considered benign. This variant is a silent/synonymous amino acid change and it is not expected to impact splicing.

Labcorp Genetics (formerly Invitae), Labcorp
Classification: Likely benign for Neurofibromatosis, type 1. Last evaluated: 2022-05-20. Review status: criteria provided, single submitter. Criteria: Invitae Variant Classification Sherloc (09022015). Collection method: clinical testing. Allele origin: germline.

Ambry Genetics
Classification: Likely benign for Cardiovascular phenotype; Hereditary cancer-predisposing syndrome. Last evaluated: 2020-03-16. Review status: criteria provided, single submitter. Criteria: Ambry Variant Classification Scheme 2023. Collection method: clinical testing. Allele origin: germline.

NM_001042492.3(NF1):c.3417A>T (p.Ala1139=)

Gene: NF1 (neurofibromin 1; plus strand). Cytogenetic location: 17q11.2.
Variant type: single nucleotide variant.
Coding change: c.3417A>T on transcript NM_001042492.3 (MANE Select); coding-DNA position 3417, A replaced by T.
Protein change: p.Ala1139=; no amino-acid change (alanine 1139 retained).
Molecular consequence: synonymous variant.
Genome position (GRCh38, 1-based): chr17:31,232,802, A>T. VCF-style: chr17-31232802-A-T. GRCh37 (hg19) VCF-style: chr17-29559820-A-T.
Other names: c.3417A>T, p.Ala1139= (NM_000267.4).
Identifiers: ClinVar variation 457647 (VCV000457647.10), dbSNP rs864622524, ClinGen allele CA499232368.